The following is an entry in ClinVar:

NM_002693.3(POLG):c.2740A>C (p.Thr914Pro)

Gene: POLG (DNA polymerase gamma, catalytic subunit; minus strand). Cytogenetic location: 15q26.1.
Variant type: single nucleotide variant.
Coding change: c.2740A>C on transcript NM_002693.3 (MANE Select); coding-DNA position 2740, A replaced by C.
Protein change: p.Thr914Pro; replaces threonine 914 with proline.
Molecular consequence: missense variant.
Genome position (GRCh38, 1-based): chr15:89,321,007, T>G on the plus strand (A>C on the coding strand, the complement: POLG is on the minus strand). VCF-style: chr15-89321007-T-G. GRCh37 (hg19) VCF-style: chr15-89864238-T-G.
Other names: c.2740A>C, p.Thr914Pro (NM_001126131.2); short protein forms T914P.
Identifiers: ClinVar variation 279961 (VCV000279961.49), dbSNP rs139590686, ClinGen allele CA7724353.

ClinVar aggregate classification (germline): Pathogenic/Likely pathogenic. Review status: criteria provided, multiple submitters, no conflicts (2 of 4 stars). 20 submissions from 19 submitters: Pathogenic (15); Likely pathogenic (1). 4 of the submissions do not count toward it. Last evaluated 2026-02-26.

Conditions:
Cholestasis. Identifiers: MedGen C0008370, MONDO:0001751, HP:0001396.
Mitochondrial DNA depletion syndrome 4b. Also called: Mitochondrial Neurogastrointestinal Encephalopathy Disease, POLG-Related; MNGIE, POLG-RELATED. Identifiers: Orphanet 298, MedGen C3150914, MONDO:0013350, OMIM 613662.
Progressive sclerosing poliodystrophy (MTDPS4A). Also called: Alpers-Huttenlocher Syndrome; NEURONAL DEGENERATION OF CHILDHOOD WITH LIVER DISEASE, PROGRESSIVE; ALPERS PROGRESSIVE INFANTILE POLIODYSTROPHY; Mitochondrial DNA Depletion Syndrome 4A; Alpers Syndrome; Mitochondrial DNA depletion syndrome 4A (Alpers type). Identifiers: Orphanet 726, MedGen C0205710, MONDO:0008758, OMIM 203700.
POLG-related disorder. Also called: POLG-Related Spectrum Disorders; POLG-related condition; POLG-Related Disorders. Identifiers: MedGen C4763519.
Tip-toe gait. Also called: Toe walking. Identifiers: MedGen C0427144, HP:0030051.
Sensory ataxic neuropathy, dysarthria, and ophthalmoparesis (SANDO). Also called: Sensory ataxic neuropathy-dysarthria-ophthalmoparesis syndrome; Epilepsy, progressive myoclonic, type 5; Ataxia Neuropathy Spectrum (ANS); SENSORY ATAXIC NEUROPATHY WITH MITOCHONDRIAL DNA DELETIONS, AUTOSOMAL RECESSIVE. Identifiers: Orphanet 70595, MedGen C1843851, MONDO:0011835, OMIM 607459.
Childhood myocerebrohepatopathy spectrum. Also called: Childhood Myocerebrohepatopathy Spectrum Disorders; Childhood Myocerebrohepatopathy Spectrum (MCHS). Identifiers: MedGen C3713421.
Progressive external ophthalmoplegia with mitochondrial DNA deletions, autosomal dominant 1 (PEOA1). Also called: Autosomal Dominant Progressive External Ophthalmoplegia (adPEO); PROGRESSIVE EXTERNAL OPHTHALMOPLEGIA, AUTOSOMAL DOMINANT 1. Identifiers: MedGen C1834846, MONDO:0024528, OMIM 157640.
Progressive external ophthalmoplegia with mitochondrial DNA deletions, autosomal recessive 1 (PEOB1). Also called: Progressive external ophthalmoplegia, autosomal recessive 1; Autosomal Recessive Progressive External Ophthalmoplegia (arPEO). Identifiers: Orphanet 254886, MedGen C4225153, MONDO:0009783, OMIM 258450.
Spinocerebellar ataxia with epilepsy. Also called: Myoclonic Epilepsy Myopathy Sensory Ataxia (MEMSA). Identifiers: Orphanet 254881, MedGen C1843852, MONDO:0016809.
Inborn genetic diseases. Identifiers: MedGen C0950123, MeSH D030342.

Allele frequency attached by ClinVar (database versions not stated): gnomAD 0.00007 and 0.00008; TOPMed 0.00007; gnomAD exomes 0.00011; ExAC 0.00012; ESP Exome Variant Server 0.00023.

Submissions 1 to 9 of 20:

PreventionGenetics, part of Exact Sciences
Classification: Pathogenic for POLG-related condition. Last evaluated: 2026-02-26. Review status: criteria provided, single submitter. Criteria: ACMG Guidelines, 2015. Collection method: clinical testing. Allele origin: germline.
Comment: The POLG c.2740A>C variant is predicted to result in the amino acid substitution p.Thr914Pro. This variant has been reported to be pathogenic for POLG-related disorders (Horvath et al. 2006. PubMed ID: 16621917; Wong et al. 2008. PubMed ID: 18546365; Tang et al. 2011. PubMed ID: 21880868; Hedberg-Oldfors et al. 2020. PubMed ID: 32042919). The majority of affected individuals who carry this variant harbor a second pathogenic variant on the opposite allele (in trans), resulting in autosomal recessive disease. At least one patient, who presented with progressive external ophthalmoplegia (PEO), carried this variant in the heterozygous state alone (Wong et al. 2008. PubMed ID: 18546365). This variant is reported in 0.024% of alleles in individuals of European (non-Finnish) descent in gnomAD. An in vitro experimental study suggests this variant affects polymerase gamma mtDNA binding and synthesis (Roos et al. 2013. PubMed ID: 23446635). This variant is interpreted as pathogenic.

Labcorp Genetics (formerly Invitae), Labcorp
Classification: Pathogenic for Progressive sclerosing poliodystrophy. Last evaluated: 2026-01-28. Review status: criteria provided, single submitter. Criteria: Invitae Variant Classification Sherloc (09022015). Collection method: clinical testing. Allele origin: germline.
Comment: This sequence change replaces threonine, which is neutral and polar, with proline, which is neutral and non-polar, at codon 914 of the POLG protein (p.Thr914Pro). This variant is present in population databases (rs139590686, gnomAD 0.02%). This missense change has been observed in individual(s) with autosomal recessive adult onset progressive external ophthalmoplegia in a single family (PMID: 23446645). This variant has also been reported, along with a second, rare POLG variant in several individuals affected with a POLG-related disorder (PMID: 16621917, 21956653, 18487244, 21880868, 23921535, 20843780, 21357833, 21282586) including several individuals affected with Alpers syndrome (PMID: 16545482, 16639411, 18546365, 18828154, 23446635, 24642831, 27450679). In at least one individual the data is consistent with being in trans (on the opposite chromosome) from a pathogenic variant. It has also been observed to segregate with disease in related individuals. ClinVar contains an entry for this variant (Variation ID: 279961). Invitae Evidence Modeling of protein sequence and biophysical properties (such as structural, functional, and spatial information, amino acid conservation, physicochemical variation, residue mobility, and thermodynamic stability) indicates that this missense variant is expected to disrupt POLG protein function with a positive predictive value of 95%. Experimental studies have shown that this missense change affects POLG function (PMID: 18828154, 23446635). For these reasons, this variant has been classified as Pathogenic.

CeGaT Center for Human Genetics Tuebingen
Classification: Pathogenic. Last evaluated: 2026-01-01. Review status: criteria provided, single submitter. Criteria: CeGaT Center For Human Genetics Tuebingen Variant Classification Criteria Version 2. Collection method: clinical testing. Allele origin: germline. Affected: yes. Observed: 1 variant allele.
Comment: POLG: PM3:Very Strong, PM2, PS3:Supporting

Ambry Genetics
Classification: Pathogenic for Inborn genetic diseases. Last evaluated: 2025-12-29. Review status: criteria provided, single submitter. Criteria: Ambry Variant Classification Scheme 2023. Collection method: clinical testing. Allele origin: germline.
Comment: The c.2740A>C (p.T914P) alteration is located in exon 18 (coding exon 17) of the POLG gene. This alteration results from a A to C substitution at nucleotide position 2740, causing the threonine (T) at amino acid position 914 to be replaced by a proline (P). Based on the available evidence, this alteration is classified as pathogenic for autosomal recessive POLG-related mitochondrial disorders; however, its clinical significance for autosomal dominant POLG-related progressive external ophthalmoplegia is uncertain. Based on data from gnomAD, the C allele has an overall frequency of 0.011% (31/282220) total alleles studied. The highest observed frequency was 0.024% (31/128644) of European (non-Finnish) alleles. This variant has been identified in the homozygous state and/or in conjunction with other POLG variant(s) in individual(s) with features consistent with POLG-related mitochondrial disorders; in at least one instance, the variants were identified in trans (Horvath, 2006; Naimi, 2006; Ashley, 2008; Wong, 2008; Dhamija, 2011, Sallevelt, 2017). This amino acid position is highly conserved in available vertebrate species. This alteration is predicted to be deleterious by in silico analysis. Based on the available evidence, this alteration is classified as pathogenic.

Blueprint Genetics
Classification: Pathogenic for POLG-related disorders. Last evaluated: 2024-06-28. Review status: criteria provided, single submitter. Criteria: ACMG Guidelines, 2015. Collection method: clinical testing. Allele origin: germline. Affected: yes. Observed: 5 variant alleles.

Institute Of Liver Studies, NHS South East Genomic Laboratory Hub
Classification: Pathogenic for Cholestasis. Last evaluated: 2024-05-20. Review status: criteria provided, single submitter. Criteria: ACGS Best Practice Guidelines for Variant Classification in Rare Disease 2020. Collection method: clinical testing. Allele origin: germline. Affected: yes.

Fulgent Genetics
Classification: Pathogenic for Progressive external ophthalmoplegia with mitochondrial DNA deletions, autosomal dominant 1; Progressive sclerosing poliodystrophy; Progressive external ophthalmoplegia with mitochondrial DNA deletions, autosomal recessive 1; Sensory ataxic neuropathy, dysarthria, and ophthalmoparesis; Mitochondrial DNA depletion syndrome 4b. Last evaluated: 2024-05-18. Review status: criteria provided, single submitter. Criteria: ACMG Guidelines, 2015. Collection method: clinical testing. Allele origin: germline.

Baylor Genetics
Classification: Pathogenic for Progressive sclerosing poliodystrophy. Last evaluated: 2024-03-20. Review status: criteria provided, single submitter. Criteria: ACMG Guidelines, 2015. Collection method: clinical testing. Allele origin: unknown.

Athena Diagnostics
Classification: Pathogenic. Last evaluated: 2023-02-09. Review status: criteria provided, single submitter. Criteria: Athena Diagnostics Criteria. Collection method: clinical testing. Allele origin: unknown.
Comment: The frequency of this variant in the general population is consistent with pathogenicity. This variant has been identified in individuals with autosomal recessive POLG-related disorders and appears to segregate with disease in at least one family. Assessment of experimental evidence suggests this variant results in abnormal protein function. A study shows this variant impairs DNA binding affinity and DNA polymerase activity compared to wild-type (PMID: 23446635). In multiple individuals, this variant has been seen with a single recessive pathogenic variant in the same gene, suggesting this variant may also be pathogenic.